The following is an entry in ClinVar:

NM_001378454.1(ALMS1):c.3700C>T (p.Pro1234Ser)

Gene: ALMS1 (ALMS1 centrosome and basal body associated protein; plus strand). Cytogenetic location: 2p13.1.
Variant type: single nucleotide variant.
Coding change: c.3700C>T on transcript NM_001378454.1 (MANE Select); coding-DNA position 3700, C replaced by T.
Protein change: p.Pro1234Ser; replaces proline 1234 with serine.
Molecular consequence: missense variant.
Genome position (GRCh38, 1-based): chr2:73,450,227, C>T. VCF-style: chr2-73450227-C-T. GRCh37 (hg19) VCF-style: chr2-73677354-C-T.
Other names: c.3703C>T, p.Pro1235Ser (NM_015120.4); short protein forms P1235S, P1234S.
Identifiers: ClinVar variation 550422 (VCV000550422.7), dbSNP rs777259139, ClinGen allele CA1713575.

ClinVar aggregate classification (germline): Uncertain significance. Review status: criteria provided, multiple submitters, no conflicts (2 of 4 stars). 3 submissions from 3 submitters: Uncertain significance (2). 1 of the submissions does not count toward it. Last evaluated 2025-04-16.

Conditions:
Alstrom syndrome (ALMS). Identifiers: Orphanet 64, MedGen C0268425, MONDO:0008763, OMIM 203800.

Allele frequency attached by ClinVar (database versions not stated): ExAC 0.00001; gnomAD 0.00001; TOPMed 0.00002.

Submissions (3):

Labcorp Genetics (formerly Invitae), Labcorp
Classification: Uncertain significance for Alstrom syndrome. Last evaluated: 2025-04-16. Review status: criteria provided, single submitter. Criteria: Invitae Variant Classification Sherloc (09022015). Collection method: clinical testing. Allele origin: germline.
Comment: This sequence change replaces proline, which is neutral and non-polar, with serine, which is neutral and polar, at codon 1235 of the ALMS1 protein (p.Pro1235Ser). This variant is not present in population databases (gnomAD no frequency). This variant has not been reported in the literature in individuals affected with ALMS1-related conditions. ClinVar contains an entry for this variant (Variation ID: 550422). Experimental studies and prediction algorithms are not available or were not evaluated, and the functional significance of this variant is currently unknown. In summary, the available evidence is currently insufficient to determine the role of this variant in disease. Therefore, it has been classified as a Variant of Uncertain Significance.

Fulgent Genetics
Classification: Uncertain significance for Alstrom syndrome. Last evaluated: 2021-11-16. Review status: criteria provided, single submitter. Criteria: ACMG Guidelines, 2015. Collection method: clinical testing. Allele origin: unknown.

Counsyl
Classification: Uncertain significance for Alstrom syndrome. Last evaluated: 2017-01-20. Review status: no assertion criteria provided. Collection method: clinical testing. Allele origin: unknown. Not counted in ClinVar's aggregate classification.